The following is an entry in ClinVar:

ClinVar aggregate classification (germline): Uncertain significance (1 of 4 stars; one submission).

Conditions:
Neuronal ceroid lipofuscinosis 7 (CLN7). Also called: MFSD8-Related Neuronal Ceroid-Lipofuscinosis. Identifiers: Orphanet 168491, Orphanet 228366, MedGen C1838571, MONDO:0012588, OMIM 610951.

gnomAD v4.1: 1 of 1,614,220 alleles (0.000062%); no homozygotes.

Submission:

Labcorp Genetics (formerly Invitae), Labcorp
Classification: Uncertain significance for Neuronal ceroid lipofuscinosis 7. Last evaluated: 2022-08-01. Review status: criteria provided, single submitter. Criteria: Invitae Variant Classification Sherloc (09022015). Collection method: clinical testing. Allele origin: germline.
Comment: This sequence change replaces isoleucine, which is neutral and non-polar, with asparagine, which is neutral and polar, at codon 403 of the MFSD8 protein (p.Ile403Asn). This variant is not present in population databases (gnomAD no frequency). This variant has not been reported in the literature in individuals affected with MFSD8-related conditions. Algorithms developed to predict the effect of missense changes on protein structure and function are either unavailable or do not agree on the potential impact of this missense change (SIFT: "Deleterious"; PolyPhen-2: "Benign"; Align-GVGD: "Class C0"). In summary, the available evidence is currently insufficient to determine the role of this variant in disease. Therefore, it has been classified as a Variant of Uncertain Significance.

NM_001371596.2(MFSD8):c.1208T>A (p.Ile403Asn)

Gene: MFSD8 (major facilitator superfamily domain containing 8; minus strand). Cytogenetic location: 4q28.2.
Variant type: single nucleotide variant.
Coding change: c.1208T>A on transcript NM_001371596.2 (MANE Select); coding-DNA position 1208, T replaced by A.
Protein change: p.Ile403Asn; replaces isoleucine 403 with asparagine.
Molecular consequence: missense variant.
Genome position (GRCh38, 1-based): chr4:127,921,666, A>T on the plus strand (T>A on the coding strand, the complement: MFSD8 is on the minus strand). VCF-style: chr4-127921666-A-T. GRCh37 (hg19) VCF-style: chr4-128842821-A-T.
Other names: c.1007T>A, p.Ile336Asn (NM_001363520.3); c.893T>A, p.Ile298Asn (NM_001363521.3); c.1073T>A, p.Ile358Asn (NM_001371590.2); c.1208T>A, p.Ile403Asn (NM_001371591.2, NM_152778.4); c.1214T>A, p.Ile405Asn (NM_001371592.2); c.1094T>A, p.Ile365Asn (NM_001371593.2); c.1061T>A, p.Ile354Asn (NM_001371594.2); c.926T>A, p.Ile309Asn (NM_001371595.1); and 2 more; short protein forms I336N, I365N, I403N, I405N, I253N, I309N, I354N, I358N.
Identifiers: ClinVar variation 2175030 (VCV002175030.1), dbSNP rs745633928, ClinGen allele CA358171260.
Genomic context (GRCh38, chr4:127,921,666, plus strand): 5'-GCTGATGTAAGGAACTGGGCCAGATGAATCACCGGGGTGTAGAGGCACCAGGCTTGTTCA[A>T]TCGAGCAACCAGTTGGTCTTTCATTGTCATCTTCCATTGGAGACTTCCAAAGACCAATAA-3'
Protein context (NP_001358525.1, residues 393-413): DDNERPTGCS[Ile403Asn]EQAWCLYTPV